The following is an entry in ClinVar:

ClinVar aggregate classification (germline): Uncertain significance (1 of 4 stars; one submission).

Conditions:
Fanconi anemia (FA). Also called: Fanconi's anemia. Identifiers: Orphanet 84, MedGen C0015625, MeSH D005199, MONDO:0019391.

Allele frequency attached by ClinVar (database versions not stated): gnomAD exomes below 0.00001; gnomAD 0.00001.

Submission:

Labcorp Genetics (formerly Invitae), Labcorp
Classification: Uncertain significance for Fanconi anemia. Last evaluated: 2021-08-05. Review status: criteria provided, single submitter. Criteria: Invitae Variant Classification Sherloc (09022015). Collection method: clinical testing. Allele origin: germline.
Comment: This variant, c.2871_2876del , results in the deletion of 2 amino acid(s) of the FANCM protein (p.Asn958_Leu959del), but otherwise preserves the integrity of the reading frame. This variant is not present in population databases (ExAC no frequency). This variant has not been reported in the literature in individuals affected with FANCM-related conditions. Experimental studies and prediction algorithms are not available or were not evaluated, and the functional significance of this variant is currently unknown. In summary, the available evidence is currently insufficient to determine the role of this variant in disease. Therefore, it has been classified as a Variant of Uncertain Significance.

NM_020937.4(FANCM):c.2871_2876del (p.Asn958_Leu959del)

Gene: FANCM (FA complementation group M; plus strand). Cytogenetic location: 14q21.2.
Variant type: Deletion.
Coding change: c.2871_2876del on transcript NM_020937.4 (MANE Select); coding-DNA positions 2871 to 2876, 6 bases deleted (TAACTT; older notation c.2871_2876delTAACTT).
Protein change: p.Asn958_Leu959del.
Molecular consequence: inframe deletion.
Genome position (GRCh38, 1-based): chr14:45,175,625-45,175,630, TAACTT deleted. VCF-style (leftmost placement, unchanged base first): chr14-45175624-CTAACTT-C. GRCh37 (hg19) VCF-style: chr14-45644827-CTAACTT-C.
Other names: c.2793_2798del, p.Asn932_Leu933del (NM_001308133.2).
Identifiers: ClinVar variation 1470409 (VCV001470409.6), dbSNP rs1888628927, ClinGen allele CA962644296.